The following is an entry in ClinVar:

NM_018344.6(SLC29A3):c.*711C>T

Gene: SLC29A3 (solute carrier family 29 member 3; plus strand). Cytogenetic location: 10q22.1.
Variant type: single nucleotide variant.
Coding change: c.*711C>T on transcript NM_018344.6 (MANE Select); 711 bases downstream of the stop codon, C replaced by T.
Molecular consequence: 3 prime UTR variant. On other transcripts: non-coding transcript variant (2).
Genome position (GRCh38, 1-based): chr10:71,363,319, C>T. VCF-style: chr10-71363319-C-T. GRCh37 (hg19) VCF-style: chr10-73123076-C-T.
Other names: c.*1368C>T (NM_001174098.2); c.*711C>T (NM_001363518.2).
Identifiers: ClinVar variation 300385 (VCV000300385.6), dbSNP rs2275579, ClinGen allele CA5543245.

ClinVar aggregate classification (germline): Likely benign. Review status: criteria provided, multiple submitters, no conflicts (2 of 4 stars). 2 submissions from 2 submitters: Likely benign (2). Last evaluated 2018-01-13.

Conditions:
H syndrome. Also called: Histiocytosis with joint contractures and sensorineural deafness; HISTIOCYTOSIS AND LYMPHADENOPATHY WITH OR WITHOUT CUTANEOUS, CARDIAC, AND/OR ENDOCRINE FEATURES, JOINT CONTRACTURES, AND/OR DEAFNESS; HYPERPIGMENTATION, CUTANEOUS, WITH HYPERTRICHOSIS, HEPATOSPLENOMEGALY, HEART ANOMALIES, AND HYPOGONADISM WITH OR WITHOUT HEARING LOSS; PIGMENTED HYPERTRICHOSIS WITH INSULIN-DEPENDENT DIABETES MELLITUS; ROSAI-DORFMAN DISEASE, FAMILIAL; SINUS HISTIOCYTOSIS AND MASSIVE LYMPHADENOPATHY. Identifiers: Orphanet 168569, MedGen C1864445, MONDO:0011273, OMIM 602782.

Allele frequency attached by ClinVar (database versions not stated): gnomAD 0.02260 and 0.02283; 1000 Genomes Project 30x 0.03170; gnomAD exomes 0.01526 and 0.01568; TOPMed 0.02027; ExAC 0.02071; 1000 Genomes Project 0.03195.
gnomAD v4.1: 8,076 of 454,102 alleles (1.8%); highest among the groups gnomAD compares: African/African-American, 4.3%; 148 homozygotes.

Submissions (2):

Illumina Laboratory Services, Illumina
Classification: Likely benign for H syndrome. Last evaluated: 2018-01-13. Review status: criteria provided, single submitter. Criteria: ICSL Variant Classification Criteria 13 December 2019. Collection method: clinical testing. Allele origin: germline.
Comment: This variant was observed in the ICSL laboratory as part of a predisposition screen in an ostensibly healthy population. It had not been previously curated by ICSL or reported in the Human Gene Mutation Database (HGMD: prior to June 1st, 2018), and was therefore a candidate for classification through an automated scoring system. Utilizing variant allele frequency, disease prevalence and penetrance estimates, and inheritance mode, an automated score was calculated to assess if this variant is too frequent to cause the disease. Based on the score and internal cut-off values, a variant classified as likely benign is not then subjected to further curation. The score for this variant resulted in a classification of likely benign for this disease.

Breakthrough Genomics
Classification: Likely benign. Review status: criteria provided, single submitter. Criteria: ACMG Guidelines, 2015. Collection method: not provided. Allele origin: germline. Inheritance: Autosomal recessive inheritance. Affected: yes.